The following is an entry in ClinVar:

NM_052947.4(ALPK2):c.2311C>A (p.Pro771Thr)

Gene: ALPK2 (alpha kinase 2; minus strand). Cytogenetic location: 18q21.31.
Variant type: single nucleotide variant.
Coding change: c.2311C>A on transcript NM_052947.4 (MANE Select); coding-DNA position 2311, C replaced by A.
Protein change: p.Pro771Thr; replaces proline 771 with threonine.
Molecular consequence: missense variant.
Genome position (GRCh38, 1-based): chr18:58,537,876, G>T on the plus strand (C>A on the coding strand, the complement: ALPK2 is on the minus strand). VCF-style: chr18-58537876-G-T. GRCh37 (hg19) VCF-style: chr18-56205108-G-T.
Other names: short protein forms P771T.
Identifiers: ClinVar variation 3228625 (VCV003228625.1), dbSNP rs1366070969, ClinGen allele CA402571034.

ClinVar aggregate classification (germline): Uncertain significance (1 of 4 stars; one submission).

gnomAD v4.1: 5 of 1,614,166 alleles (0.00031%); highest among the groups gnomAD compares: Admixed American, 0.0067%; no homozygotes.

Submission:

Ambry Genetics
Classification: Uncertain significance. Last evaluated: 2024-03-03. Review status: criteria provided, single submitter. Criteria: Ambry Variant Classification Scheme 2023. Collection method: clinical testing. Allele origin: germline.
Comment: The p.P771T variant (also known as c.2311C>A), located in coding exon 4 of the ALPK2 gene, results from a C to A substitution at nucleotide position 2311. The proline at codon 771 is replaced by threonine, an amino acid with highly similar properties. This amino acid position is conserved. In addition, this alteration is predicted to be tolerated by in silico analysis. Based on the available evidence, the clinical significance of this alteration remains unclear.